The following is an entry in ClinVar:

NM_003072.5(SMARCA4):c.163C>T (p.Pro55Ser)

Gene: SMARCA4 (SWI/SNF related BAF chromatin remodeling complex subunit ATPase 4; plus strand). Cytogenetic location: 19p13.2.
Variant type: single nucleotide variant.
Coding change: c.163C>T on transcript NM_003072.5 (MANE Select); coding-DNA position 163, C replaced by T.
Protein change: p.Pro55Ser; replaces proline 55 with serine.
Molecular consequence: missense variant. On other transcripts: non-coding transcript variant (1).
Genome position (GRCh38, 1-based): chr19:10,984,314, C>T. VCF-style: chr19-10984314-C-T. GRCh37 (hg19) VCF-style: chr19-11094990-C-T.
Other names: c.163C>T, p.Pro55Ser (NM_001128844.3, NM_001128845.2, NM_001128846.2 and 5 more transcripts); short protein forms P55S.
Identifiers: ClinVar variation 484891 (VCV000484891.17), dbSNP rs1218848193, ClinGen allele CA404054514.

ClinVar aggregate classification (germline): Conflicting classifications of pathogenicity. Review status: criteria provided, conflicting classifications (1 of 4 stars). 3 submissions from 3 submitters: Uncertain significance (2); Likely benign (1). Last evaluated 2025-12-20.

Conditions:
Intellectual disability, autosomal dominant 16 (CSS4). Also called: COFFIN-SIRIS SYNDROME 4. Identifiers: Orphanet 1465, MedGen C3553249, MONDO:0013821, OMIM 614609.
Hereditary cancer-predisposing syndrome. Also called: Neoplastic Syndromes, Hereditary; Tumor predisposition; Hereditary Cancer Syndrome; Hereditary neoplastic syndrome. Identifiers: Orphanet 140162, MedGen C0027672, MeSH D009386, MONDO:0015356.
Rhabdoid tumor predisposition syndrome 2 (RTPS2). Identifiers: Orphanet 231108, Orphanet 69077, MedGen C2750074, MONDO:0013224, OMIM 613325.

Allele frequency attached by ClinVar (database versions not stated): gnomAD exomes below 0.00001; gnomAD 0.00001; TOPMed 0.00002.

Submissions (3):

Labcorp Genetics (formerly Invitae), Labcorp
Classification: Uncertain significance for Rhabdoid tumor predisposition syndrome 2. Last evaluated: 2025-12-20. Review status: criteria provided, single submitter. Criteria: Invitae Variant Classification Sherloc (09022015). Collection method: clinical testing. Allele origin: germline.
Comment: This sequence change replaces proline, which is neutral and non-polar, with serine, which is neutral and polar, at codon 55 of the SMARCA4 protein (p.Pro55Ser). The frequency data for this variant in the population databases is considered unreliable, as metrics indicate poor data quality at this position in the gnomAD database. This variant has not been reported in the literature in individuals affected with SMARCA4-related conditions. ClinVar contains an entry for this variant (Variation ID: 484891). Invitae Evidence Modeling of protein sequence and biophysical properties (such as structural, functional, and spatial information, amino acid conservation, physicochemical variation, residue mobility, and thermodynamic stability) indicates that this missense variant is not expected to disrupt SMARCA4 protein function with a negative predictive value of 80%. In summary, the available evidence is currently insufficient to determine the role of this variant in disease. Therefore, it has been classified as a Variant of Uncertain Significance.

Ambry Genetics
Classification: Likely benign for Hereditary cancer-predisposing syndrome. Last evaluated: 2023-10-17. Review status: criteria provided, single submitter. Criteria: Ambry Variant Classification Scheme 2023. Collection method: clinical testing. Allele origin: germline.

Genome-Nilou Lab
Classification: Uncertain significance for Intellectual disability, autosomal dominant 16. Last evaluated: 2021-07-15. Review status: criteria provided, single submitter. Criteria: ACMG Guidelines, 2015. Collection method: clinical testing. Allele origin: germline. Affected: no.